The following is an entry in ClinVar:

ClinVar aggregate classification (germline): Conflicting classifications of pathogenicity. Review status: criteria provided, conflicting classifications (1 of 4 stars). 4 submissions from 4 submitters: Uncertain significance (2); Benign (1); Likely benign (1). Last evaluated 2025-12-30.

Conditions:
Asphyxiating thoracic dystrophy 3. Also called: SHORT-RIB THORACIC DYSPLASIA 3 WITH OR WITHOUT POLYDACTYLY; POLYDACTYLY WITH NEONATAL CHONDRODYSTROPHY, TYPE I; SHORT-RIB THORACIC DYSPLASIA 3/6 WITH POLYDACTYLY, DIGENIC; Short rib polydactyly syndrome 2B; Saldino-Noonan Syndrome. Identifiers: Orphanet 474, Orphanet 93269, Orphanet 93270, Orphanet 93271, MedGen C0036069, MONDO:0013127, OMIM 613091.
Jeune thoracic dystrophy. Also called: Infantile thoracic dystrophy; Thoracic pelvic phalangeal dystrophy; Jeune's syndrome; Chondroectodermal dysplasia-like syndrome; Short-rib thoracic dysplasia; Jeune syndrome. Identifiers: Orphanet 474, MedGen C0265275, MONDO:0018770.

Allele frequency attached by ClinVar (database versions not stated): gnomAD 0.00017; gnomAD exomes 0.00017 and 0.00030; TOPMed 0.00019; ExAC 0.00033; ESP Exome Variant Server 0.00034.
gnomAD v4.1: 286 of 1,608,002 alleles (0.018%); highest among the groups gnomAD compares: Non-Finnish European, 0.0039%; 2 homozygotes.

Submissions (4):

Labcorp Genetics (formerly Invitae), Labcorp
Classification: Likely benign for Jeune thoracic dystrophy. Last evaluated: 2025-12-30. Review status: criteria provided, single submitter. Criteria: Invitae Variant Classification Sherloc (09022015). Collection method: clinical testing. Allele origin: germline.

Blueprint Genetics
Classification: Benign. Last evaluated: 2024-09-24. Review status: criteria provided, single submitter. Criteria: ACMG Guidelines, 2015. Collection method: clinical testing. Allele origin: germline.

ARUP Laboratories, Molecular Genetics and Genomics, ARUP Laboratories
Classification: Uncertain significance. Last evaluated: 2018-02-13. Review status: criteria provided, single submitter. Criteria: ARUP Molecular Germline Variant Investigation Process. Collection method: clinical testing. Allele origin: germline.
Comment: The DYNC2H1 c.7462G>A; p.Asp2488Asn variant (rs201825699), to our knowledge, is not reported in the medical literature, gene specific variation databases, nor has it been previously identified by our laboratory. This variant is listed in the genome Aggregation Database (gnomAD) with an overall population frequency of 0.03% (identified on 71 out of 268,962 chromosomes) and is classified as a variant of unknown significance in ClinVar (ID: 302062). The aspartic acide at position 2488 is highly conserved, considering 28 species, and computational analyses of the effects of the p.Asp2488Asn variant on protein structure and function do not predict a deleterious effect (SIFT: tolerated, PolyPhen-2: benign). Based on the available information, the clinical significance of the p.Asp2488Asn variant cannot be determined with certainty.

Illumina Laboratory Services, Illumina
Classification: Uncertain significance for Asphyxiating thoracic dystrophy 3. Last evaluated: 2018-01-13. Review status: criteria provided, single submitter. Criteria: ICSL Variant Classification Criteria 13 December 2019. Collection method: clinical testing. Allele origin: germline.

NM_001377.3(DYNC2H1):c.7462G>A (p.Asp2488Asn)

Gene: DYNC2H1 (dynein cytoplasmic 2 heavy chain 1; plus strand). Cytogenetic location: 11q22.3.
Variant type: single nucleotide variant.
Coding change: c.7462G>A on transcript NM_001377.3 (MANE Select); coding-DNA position 7462, G replaced by A.
Protein change: p.Asp2488Asn; replaces aspartic acid 2488 with asparagine.
Molecular consequence: missense variant.
Genome position (GRCh38, 1-based): chr11:103,191,541, G>A. VCF-style: chr11-103191541-G-A. GRCh37 (hg19) VCF-style: chr11-103062270-G-A.
Other names: c.7462G>A, p.Asp2488Asn (NM_001080463.2); short protein forms D2488N.
Identifiers: ClinVar variation 302062 (VCV000302062.20), dbSNP rs201825699, ClinGen allele CA6254244.